The following is an entry in ClinVar:

NM_007294.4(BRCA1):c.5113C>T (p.Leu1705=)

Gene: BRCA1 (BRCA1 DNA repair associated; minus strand). Cytogenetic location: 17q21.31.
Variant type: single nucleotide variant.
Coding change: c.5113C>T on transcript NM_007294.4 (MANE Select); coding-DNA position 5113, C replaced by T.
Protein change: p.Leu1705=; no amino-acid change (leucine 1705 retained).
Molecular consequence: synonymous variant. On other transcripts: intron variant (2).
Genome position (GRCh38, 1-based): chr17:43,063,913, G>A on the plus strand (C>T on the coding strand, the complement: BRCA1 is on the minus strand). VCF-style: chr17-43063913-G-A. GRCh37 (hg19) VCF-style: chr17-41215930-G-A.
Other names: 5232C/T; c.4900C>T, p.Leu1634= (NM_001407571.1, NM_001407894.1, NM_001407895.1 and 12 more transcripts); c.5179C>T, p.Leu1727= (NM_001407581.1, NM_001407582.1); c.5176C>T, p.Leu1726= (NM_001407583.1, NM_001407585.1, NM_001407587.1 and 1 more transcripts); c.5173C>T, p.Leu1725= (NM_001407590.1, NM_001407591.1); c.5113C>T, p.Leu1705= (NM_001407593.1, NM_001407594.1, NM_001407596.1 and 7 more transcripts); c.5110C>T, p.Leu1704= (NM_001407610.1, NM_001407611.1, NM_001407612.1 and 17 more transcripts); c.5107C>T, p.Leu1703= (NM_001407627.1, NM_001407628.1, NM_001407629.1 and 14 more transcripts); and 74 more.
Identifiers: ClinVar variation 55405 (VCV000055405.6), dbSNP rs80356858, ClinGen allele CA003247.

ClinVar aggregate classification (germline): Likely benign. Review status: reviewed by expert panel (3 of 4 stars). 2 submissions from 2 submitters: Likely benign (1). 1 of the submissions does not count toward it. Last evaluated 2017-06-29.

Conditions:
Breast-ovarian cancer, familial, susceptibility to, 1 (BROVCA1). Also called: BRCA1 Hereditary Breast and Ovarian Cancer; OVARIAN CANCER, SUSCEPTIBILITY TO. Identifiers: Orphanet 145, MedGen C2676676, MONDO:0011450, OMIM 604370. Disease mechanism: loss of function.

Allele frequency attached by ClinVar (database versions not stated): gnomAD exomes below 0.00001.
gnomAD v4.1: 1 of 1,614,058 alleles (0.000062%); highest among the groups gnomAD compares: Non-Finnish European, 0.000085%; no homozygotes.

Submissions (3):

Evidence-based Network for the Interpretation of Germline Mutant Alleles (ENIGMA)
Classification: Likely benign for Breast-ovarian cancer, familial, susceptibility to, 1. Last evaluated: 2017-06-29. Review status: reviewed by expert panel. Criteria: ENIGMA BRCA1/2 Classification Criteria (2017-06-29). Collection method: curation. Allele origin: germline.
Comment: Synonymous substitution variant, with low bioinformatic likelihood to result in a splicing aberration (Splicing prior probability 0.02).

Breast Cancer Information Core (BIC) (BRCA1)
Classification: Benign for Breast-ovarian cancer, familial 1. Last evaluated: 2000-01-01. Review status: no assertion criteria provided. Collection method: clinical testing. Allele origin: germline. Affected: yes. Observed: 3 variant alleles. Not counted in ClinVar's aggregate classification.

Brotman Baty Institute, University of Washington
No classification provided (evidence only). Condition: Breast-ovarian cancer, familial 1. Review status: no classification provided. Collection method: in vitro. Allele origin: not applicable. Functional consequence: functionally_normal. Not counted in ClinVar's aggregate classification.
ClinVar note: "not provided" was previously submitted as the classification for the variant. However, the classification appeared to be based only on an observation of functional data so it was converted to no classification on 2025-07-30.